The following is an entry in ClinVar:

ClinVar aggregate classification (germline): Likely pathogenic (1 of 4 stars; one submission).

Conditions:
Dilated cardiomyopathy 1G (CMD1G). Identifiers: Orphanet 154, MedGen C1858763, MONDO:0011400, OMIM 604145.
Autosomal recessive limb-girdle muscular dystrophy type 2J (LGMDR10). Also called: Limb-girdle muscular dystrophy, type 2J; MUSCULAR DYSTROPHY, LIMB-GIRDLE, AUTOSOMAL RECESSIVE 10. Identifiers: Orphanet 140922, MedGen C1837342, MONDO:0012127, OMIM 608807.

Submission:

Labcorp Genetics (formerly Invitae), Labcorp
Classification: Likely pathogenic for Dilated cardiomyopathy 1G; Autosomal recessive limb-girdle muscular dystrophy type 2J. Last evaluated: 2024-11-04. Review status: criteria provided, single submitter. Criteria: Invitae Variant Classification Sherloc (09022015). Collection method: clinical testing. Allele origin: germline.
Comment: This sequence change creates a premature translational stop signal (p.Ile14495Serfs*12) in the TTN gene. While this is not anticipated to result in nonsense mediated decay, it is expected to create a truncated TTN protein. This variant is not present in population databases (gnomAD no frequency). This variant has not been reported in the literature in individuals affected with TTN-related conditions. ClinVar contains an entry for this variant (Variation ID: 954379). This variant is located in the I band of TTN (PMID: 25589632). Truncating variants in this region have been reported in individuals affected with autosomal recessive centronuclear myopathy (PMID: 23975875, internal data). Truncating variants in this region have also been identified in individuals affected with autosomal dominant dilated cardiomyopathy and/or cardio-related conditions (PMID: 27869827, 32964742, internal data). In summary, the currently available evidence indicates that the variant is pathogenic, but additional data are needed to prove that conclusively. Therefore, this variant has been classified as Likely Pathogenic.

Literature cited by the submitters: PubMed 25589632; PubMed 23975875; PubMed 27869827; PubMed 32964742.

NM_001267550.2(TTN):c.43483del (p.Ile14495fs)

Gene: TTN (titin; minus strand). Cytogenetic location: 2q31.2.
Variant type: Deletion.
Coding change: c.43483del on transcript NM_001267550.2 (MANE Select); coding-DNA position 43483, one base deleted (A; older notation c.43483delA).
Protein change: p.Ile14495fs; shifts the reading frame from isoleucine 14495.
Molecular consequence: frameshift variant.
Genome position (GRCh38, 1-based): chr2:178,632,411, T deleted on the plus strand (A on the coding strand, the reverse complement: TTN is on the minus strand); the first of 2 consecutive T bases (chr2:178,632,411-178,632,412); deleting either gives the same sequence. VCF-style (leftmost placement, unchanged base first): chr2-178632410-AT-A. GRCh37 (hg19) VCF-style: chr2-179497137-AT-A.
Other names: c.38560del, p.Ile12854fs (NM_001256850.1); c.16288del, p.Ile5430fs (NM_003319.4); c.35779del, p.Ile11927fs (NM_133378.4); c.16663del, p.Ile5555fs (NM_133432.3); c.16864del, p.Ile5622fs (NM_133437.4); short protein forms I5430fs, I5555fs, I5622fs, I12854fs, I14495fs, I11927fs.
Identifiers: ClinVar variation 954379 (VCV000954379.10), dbSNP rs2059913524, ClinGen allele CA1139657470.